The following is an entry in ClinVar:

ClinVar aggregate classification (germline): Conflicting classifications of pathogenicity. Review status: criteria provided, conflicting classifications (1 of 4 stars). 3 submissions from 3 submitters: Likely pathogenic (1); Uncertain significance (2). Last evaluated 2024-11-22.

Conditions:
Retinal dystrophy. Also called: Inherited retinal dystrophy. Identifiers: Orphanet 71862, MedGen C0854723, MeSH D058499, MONDO:0019118, HP:0000556.
CYP4V2-related disorder. Also called: CYP4V2-related condition; CYP4V2-related disorders.

Allele frequency attached by ClinVar (database versions not stated): gnomAD 0.00001 and 0.00002; gnomAD exomes 0.00004 and 0.00006; TOPMed 0.00005; ExAC 0.00008; ESP Exome Variant Server 0.00015; 1000 Genomes Project 30x 0.00016; 1000 Genomes Project 0.00020.
gnomAD v4.1: 62 of 1,613,742 alleles (0.0038%); highest among the groups gnomAD compares: Middle Eastern, 0.016%; no homozygotes.

Submissions (3):

Blueprint Genetics
Classification: Likely pathogenic for CYP4V2-related disorders. Last evaluated: 2024-11-22. Review status: criteria provided, single submitter. Criteria: ACMG Guidelines, 2015. Collection method: clinical testing. Allele origin: germline. Affected: yes. Observed: 5 variant alleles.

Dept Of Ophthalmology, Nagoya University
Classification: Uncertain significance for Retinal dystrophy. Last evaluated: 2023-10-01. Review status: criteria provided, single submitter. Criteria: Submitter's publication. Collection method: research. Allele origin: germline. Affected: yes.

Labcorp Genetics (formerly Invitae), Labcorp
Classification: Uncertain significance. Last evaluated: 2022-08-09. Review status: criteria provided, single submitter. Criteria: Invitae Variant Classification Sherloc (09022015). Collection method: clinical testing. Allele origin: germline.
Comment: This sequence change replaces valine, which is neutral and non-polar, with methionine, which is neutral and non-polar, at codon 458 of the CYP4V2 protein (p.Val458Met). This variant is present in population databases (rs202204817, gnomAD 0.01%). This missense change has been observed in individual(s) with Bietti crystalline dystrophy (PMID: 22605929). It has also been observed to segregate with disease in related individuals. ClinVar contains an entry for this variant (Variation ID: 1483486). Advanced modeling of protein sequence and biophysical properties (such as structural, functional, and spatial information, amino acid conservation, physicochemical variation, residue mobility, and thermodynamic stability) performed at Invitae indicates that this missense variant is not expected to disrupt CYP4V2 protein function. In summary, the available evidence is currently insufficient to determine the role of this variant in disease. Therefore, it has been classified as a Variant of Uncertain Significance.

Literature cited by the submitters: PubMed 22605929 (cited by Labcorp Genetics (formerly Invitae), Labcorp).

NM_207352.4(CYP4V2):c.1372G>A (p.Val458Met)

Gene: CYP4V2 (cytochrome P450 family 4 subfamily V member 2; plus strand). Cytogenetic location: 4q35.2.
Variant type: single nucleotide variant.
Coding change: c.1372G>A on transcript NM_207352.4 (MANE Select); coding-DNA position 1372, G replaced by A.
Protein change: p.Val458Met; replaces valine 458 with methionine.
Molecular consequence: missense variant.
Genome position (GRCh38, 1-based): chr4:186,209,239, G>A. VCF-style: chr4-186209239-G-A. GRCh37 (hg19) VCF-style: chr4-187130393-G-A.
Other names: short protein forms V458M.
Identifiers: ClinVar variation 1483486 (VCV001483486.7), dbSNP rs202204817, ClinGen allele CA3162845.